The following is an entry in ClinVar:

ClinVar aggregate classification (germline): Uncertain significance (1 of 4 stars; one submission).

gnomAD v4.1: 1 of 1,593,268 alleles (0.000063%); no homozygotes.

Submission:

Ambry Genetics
Classification: Uncertain significance. Last evaluated: 2022-12-12. Review status: criteria provided, single submitter. Criteria: Ambry Variant Classification Scheme 2023. Collection method: clinical testing. Allele origin: germline.
Comment: The p.S930T variant (also known as c.2788T>A), located in coding exon 14 of the NPAT gene, results from a T to A substitution at nucleotide position 2788. The serine at codon 930 is replaced by threonine, an amino acid with similar properties. This amino acid position is conserved. In addition, this alteration is predicted to be tolerated by in silico analysis. Since supporting evidence is limited at this time, the clinical significance of this alteration remains unclear.

NM_002519.3(NPAT):c.2788T>A (p.Ser930Thr)

Gene: NPAT (nuclear protein, coactivator of histone transcription; minus strand). Cytogenetic location: 11q22.3.
Variant type: single nucleotide variant.
Coding change: c.2788T>A on transcript NM_002519.3 (MANE Select); coding-DNA position 2788, T replaced by A.
Protein change: p.Ser930Thr; replaces serine 930 with threonine.
Molecular consequence: missense variant.
Genome position (GRCh38, 1-based): chr11:108,170,041, A>T on the plus strand (T>A on the coding strand, the complement: NPAT is on the minus strand). VCF-style: chr11-108170041-A-T. GRCh37 (hg19) VCF-style: chr11-108040768-A-T.
Other names: c.2788T>A, p.Ser930Thr (NM_001321307.1); short protein forms S930T.
Identifiers: ClinVar variation 2453751 (VCV002453751.2), dbSNP rs752251726, ClinGen allele CA382512225.